The following is an entry in ClinVar:

ClinVar aggregate classification (germline): Conflicting classifications of pathogenicity. Review status: criteria provided, conflicting classifications (1 of 4 stars). 3 submissions from 3 submitters: Uncertain significance (2); Likely benign (1). Last evaluated 2025-12-23.

Conditions:
Propionic acidemia (PROP). Also called: GLYCINEMIA, KETOTIC; HYPERGLYCINEMIA WITH KETOACIDOSIS AND LEUKOPENIA; KETOTIC HYPERGLYCINEMIA. Identifiers: Orphanet 35, MedGen C0268579, MONDO:0011628, OMIM 606054, HP:0003571.
Inborn genetic diseases. Identifiers: MedGen C0950123, MeSH D030342.

Allele frequency attached by ClinVar (database versions not stated): ExAC 0.00001; gnomAD exomes 0.00001; gnomAD 0.00002; TOPMed 0.00002.
gnomAD v4.1: 21 of 1,610,768 alleles (0.0013%); highest among the groups gnomAD compares: Non-Finnish European, 0.0017%; no homozygotes.

Submissions (3):

Labcorp Genetics (formerly Invitae), Labcorp
Classification: Likely benign for Propionic acidemia. Last evaluated: 2025-12-23. Review status: criteria provided, single submitter. Criteria: Invitae Variant Classification Sherloc (09022015). Collection method: clinical testing. Allele origin: germline.

Ambry Genetics
Classification: Uncertain significance for Inborn genetic diseases. Last evaluated: 2021-09-05. Review status: criteria provided, single submitter. Criteria: Ambry Variant Classification Scheme 2023. Collection method: clinical testing. Allele origin: germline.
Comment: The c.638-5G>A intronic alteration consists of a G to A substitution 5 nucleotides before coding exon 9 in the PCCA gene. Based on insufficient or conflicting evidence, the clinical significance of this alteration remains unclear.

Illumina Laboratory Services, Illumina
Classification: Uncertain significance for Propionic acidemia. Last evaluated: 2018-01-12. Review status: criteria provided, single submitter. Criteria: ICSL Variant Classification Criteria 13 December 2019. Collection method: clinical testing. Allele origin: germline.

NM_000282.4(PCCA):c.638-5G>A

Gene: PCCA (propionyl-CoA carboxylase subunit alpha; plus strand). Cytogenetic location: 13q32.3.
Variant type: single nucleotide variant.
Coding change: c.638-5G>A on transcript NM_000282.4 (MANE Select); 5 bases into the intron before coding-DNA position 638, G replaced by A.
Molecular consequence: intron variant.
Genome position (GRCh38, 1-based): chr13:100,257,590, G>A. VCF-style: chr13-100257590-G-A. GRCh37 (hg19) VCF-style: chr13-100909844-G-A.
Other names: c.638-5G>A (NM_001178004.2, NM_001352605.2, NM_001352606.2 and 1 more transcripts); c.-229-5139G>A (NM_001352610.2, NM_001352611.2, NM_001352612.2); c.560-5G>A (NM_001127692.3, NM_001352607.2, NM_001352608.2).
Identifiers: ClinVar variation 884132 (VCV000884132.14), dbSNP rs764316702, ClinGen allele CA7033321.
Genomic context (GRCh38, chr13:100,257,590, plus strand): 5'-TTGTCATGTTCATACATCCCAATGATCAAAGTCTGAACTTCTGTCTAATTCTTCCCTGCT[G>A]TTAGGCTACCCTGTCATGATCAAGGCCTCAGCAGGTGGTGGTGGGAAAGGCATGCGCATT-3'